The following is an entry in ClinVar:

NM_001160372.4(TRAPPC9):c.2036C>T (p.Pro679Leu)

Gene: TRAPPC9 (trafficking protein particle complex subunit 9; minus strand). Cytogenetic location: 8q24.3.
Variant type: single nucleotide variant.
Coding change: c.2036C>T on transcript NM_001160372.4 (MANE Select); coding-DNA position 2036, C replaced by T.
Protein change: p.Pro679Leu; replaces proline 679 with leucine.
Molecular consequence: missense variant. On other transcripts: non-coding transcript variant (1).
Genome position (GRCh38, 1-based): chr8:140,283,967, G>A on the plus strand (C>T on the coding strand, the complement: TRAPPC9 is on the minus strand). VCF-style: chr8-140283967-G-A. GRCh37 (hg19) VCF-style: chr8-141294066-G-A.
Other names: c.2036C>T, p.Pro679Leu (NM_001374683.1, NM_031466.8); c.1892C>T, p.Pro631Leu (NM_001374684.1); c.2009C>T, p.Pro670Leu (NM_001321646.2); c.2057C>T, p.Pro686Leu (NM_001374682.1); short protein forms P679L, P670L, P631L, P686L.
Identifiers: ClinVar variation 452251 (VCV000452251.5), dbSNP rs376735305, ClinGen allele CA186501032.
Genomic context (GRCh38, chr8:140,283,967, plus strand): 5'-ATCTGCAGTCTTGGCAACGCGGGAATGACTTCCACTGTGGAGCCACTGGTTTTTATTCCC[G>A]GCAGGTTATCCAGCAAACAGTCACTGAACACACCGAAGACCGTGGTATGGTAACCTGGAA-3'
Protein context (NP_001153844.1, residues 669-689): VFSDCLLDNL[Pro679Leu]GIKTSGSTVE

ClinVar aggregate classification (germline): Uncertain significance. Review status: criteria provided, multiple submitters, no conflicts (2 of 4 stars). 2 submissions from 2 submitters: Uncertain significance (2). Last evaluated 2026-08-28.

Conditions:
Inborn genetic diseases. Identifiers: MedGen C0950123, MeSH D030342.

Allele frequency attached by ClinVar (database versions not stated): TOPMed 0.00004; ESP Exome Variant Server 0.00008; gnomAD 0.00005; gnomAD exomes 0.00001.
gnomAD v4.1: 28 of 1,614,026 alleles (0.0017%); highest among the groups gnomAD compares: East Asian, 0.0045%; no homozygotes.

Submissions (2):

GeneDx
Classification: Uncertain significance. Last evaluated: 2026-08-28. Review status: criteria provided, single submitter. Criteria: GeneDx Variant Classification Process June 2021. Collection method: clinical testing. Allele origin: germline.
Comment: Not observed at significant frequency in large population cohorts (gnomAD); In silico analysis suggests that this missense variant does not alter protein structure/function; Has not been previously published as pathogenic or benign to our knowledge

Ambry Genetics
Classification: Uncertain significance for Inborn genetic diseases. Last evaluated: 2023-10-05. Review status: criteria provided, single submitter. Criteria: Ambry Variant Classification Scheme 2023. Collection method: clinical testing. Allele origin: germline.